The following is an entry in ClinVar:

ClinVar aggregate classification (germline): Uncertain significance (1 of 4 stars; one submission).

Conditions:
Hyperphosphatasia with impaired intellectual development syndrome 2. Also called: GLYCOSYLPHOSPHATIDYLINOSITOL BIOSYNTHESIS DEFECT 6; Hyperphosphatasia with intellectual disability syndrome 2. Identifiers: Orphanet 247262, MedGen C3553637, MONDO:0013882, OMIM 614749.

Allele frequency attached by ClinVar (database versions not stated): gnomAD exomes 0.00001; TOPMed 0.00001.
gnomAD v4.1: 3 of 1,614,240 alleles (0.00019%); highest among the groups gnomAD compares: Non-Finnish European, 0.00025%; no homozygotes.

Submission:

Labcorp Genetics (formerly Invitae), Labcorp
Classification: Uncertain significance for Hyperphosphatasia with impaired intellectual development syndrome 2. Last evaluated: 2024-04-08. Review status: criteria provided, single submitter. Criteria: Invitae Variant Classification Sherloc (09022015). Collection method: clinical testing. Allele origin: germline.
Comment: This sequence change replaces arginine, which is basic and polar, with glycine, which is neutral and non-polar, at codon 983 of the PIGO protein (p.Arg983Gly). This variant is not present in population databases (gnomAD no frequency). This variant has not been reported in the literature in individuals affected with PIGO-related conditions. ClinVar contains an entry for this variant (Variation ID: 1982749). An algorithm developed to predict the effect of missense changes on protein structure and function (PolyPhen-2) suggests that this variant is likely to be tolerated. In summary, the available evidence is currently insufficient to determine the role of this variant in disease. Therefore, it has been classified as a Variant of Uncertain Significance.

NM_032634.4(PIGO):c.2947A>G (p.Arg983Gly)

Gene: PIGO (phosphatidylinositol glycan anchor biosynthesis class O; minus strand). Cytogenetic location: 9p13.3.
Variant type: single nucleotide variant.
Coding change: c.2947A>G on transcript NM_032634.4 (MANE Select); coding-DNA position 2947, A replaced by G.
Protein change: p.Arg983Gly; replaces arginine 983 with glycine.
Molecular consequence: missense variant.
Genome position (GRCh38, 1-based): chr9:35,090,188, T>C on the plus strand (A>G on the coding strand, the complement: PIGO is on the minus strand). VCF-style: chr9-35090188-T-C. GRCh37 (hg19) VCF-style: chr9-35090185-T-C.
Other names: c.1696A>G, p.Arg566Gly (NM_001201484.2, NM_152850.4); short protein forms R983G, R566G.
Identifiers: ClinVar variation 1982749 (VCV001982749.4), dbSNP rs1184399259, ClinGen allele CA373317831.